The following is an entry in ClinVar:

ClinVar aggregate classification (germline): Uncertain significance (1 of 4 stars; one submission).

Conditions:
Muscular dystrophy, limb-girdle, autosomal recessive 27. Identifiers: MedGen C5562002, MONDO:0030456, OMIM 619566.

Allele frequency attached by ClinVar (database versions not stated): gnomAD 0.00001; TOPMed 0.00001.
gnomAD v4.1: 4 of 1,556,374 alleles (0.00026%); highest among the groups gnomAD compares: Non-Finnish European, 0.00035%; no homozygotes.

Submission:

SIB Swiss Institute of Bioinformatics
Classification: Uncertain significance for Muscular dystrophy, limb-girdle, autosomal recessive 27. Last evaluated: 2022-04-20. Review status: criteria provided, single submitter. Criteria: ACMG Guidelines, 2015. Collection method: curation. Allele origin: unknown.
Comment: This variant is interpreted as a variant of uncertain significance for Muscular dystrophy, limb-girdle, autosomal recessive 27. The following ACMG Tag(s) were applied: Absent from controls (or at extremely low frequency if recessive) in Exome Sequencing Project, 1000 Genomes Project, or Exome Aggregation Consortium (PM2); Multiple lines of computational evidence support a deleterious effect on the gene or gene product (PP3).

Literature cited by the submitters: PubMed 33861953.

NM_002226.5(JAG2):c.2473C>T (p.Arg825Cys)

Gene: JAG2 (jagged canonical Notch ligand 2; minus strand). Cytogenetic location: 14q32.33.
Variant type: single nucleotide variant.
Coding change: c.2473C>T on transcript NM_002226.5 (MANE Select); coding-DNA position 2473, C replaced by T.
Protein change: p.Arg825Cys; replaces arginine 825 with cysteine.
Molecular consequence: missense variant.
Genome position (GRCh38, 1-based): chr14:105,147,332, G>A on the plus strand (C>T on the coding strand, the complement: JAG2 is on the minus strand). VCF-style: chr14-105147332-G-A. GRCh37 (hg19) VCF-style: chr14-105613669-G-A.
Other names: c.2359C>T, p.Arg787Cys (NM_145159.3); short protein forms R787C, R825C.
Identifiers: ClinVar variation 1677284 (VCV001677284.1), dbSNP rs1459726266, ClinGen allele CA391267120.